The following is an entry in ClinVar:

ClinVar aggregate classification (germline): Likely benign (1 of 4 stars; one submission).

Allele frequency attached by ClinVar (database versions not stated): ExAC 0.00002; gnomAD 0.00002; gnomAD exomes 0.00002; TOPMed 0.00002.
gnomAD v4.1: 31 of 1,613,974 alleles (0.0019%); highest among the groups gnomAD compares: Admixed American, 0.0033%; no homozygotes.

Submission:

CeGaT Center for Human Genetics Tuebingen
Classification: Likely benign. Last evaluated: 2023-07-01. Review status: criteria provided, single submitter. Criteria: CeGaT Center For Human Genetics Tuebingen Variant Classification Criteria Version 2. Collection method: clinical testing. Allele origin: germline. Affected: yes. Observed: 1 variant allele.
Comment: FMN2: BP4, BP7

NM_020066.5(FMN2):c.2274T>C (p.Pro758=)

Gene: FMN2 (formin 2; plus strand). Cytogenetic location: 1q43.
Variant type: single nucleotide variant.
Coding change: c.2274T>C on transcript NM_020066.5 (MANE Select); coding-DNA position 2274, T replaced by C.
Protein change: p.Pro758=; no amino-acid change (proline 758 retained).
Molecular consequence: synonymous variant. On other transcripts: intron variant (1).
Genome position (GRCh38, 1-based): chr1:240,207,086, T>C. VCF-style: chr1-240207086-T-C. GRCh37 (hg19) VCF-style: chr1-240370386-T-C.
Other names: c.2286T>C, p.Pro762= (NM_001305424.2); c.1986+18824T>C (NM_001348094.2).
Identifiers: ClinVar variation 2640130 (VCV002640130.24), dbSNP rs778498755, ClinGen allele CA1476591.